The following is an entry in ClinVar:

ClinVar aggregate classification (germline): Uncertain significance (1 of 4 stars; one submission).

Conditions:
FOXA2-related disorder. Also called: FOXA2-related condition.

gnomAD v4.1: 1 of 1,573,928 alleles (0.000064%); highest among the groups gnomAD compares: Non-Finnish European, 0.000086%; no homozygotes.

Submission:

PreventionGenetics, part of Exact Sciences
Classification: Uncertain significance for FOXA2-related condition. Last evaluated: 2026-09-04. Review status: criteria provided, single submitter. Criteria: ACMG Guidelines, 2015. Collection method: clinical testing. Allele origin: germline.
Comment: The FOXA2 c.358G>T variant is predicted to result in the amino acid substitution p.Gly120Trp. To our knowledge, this variant has not been reported in the literature or in a large population database, indicating this variant is rare. As this time, the clinical significance of this variant is uncertain due to the absence of conclusive functional and genetic evidence.

NM_021784.5(FOXA2):c.358G>T (p.Gly120Trp)

Gene: FOXA2 (forkhead box A2; minus strand). Cytogenetic location: 20p11.21.
Variant type: single nucleotide variant.
Coding change: c.358G>T on transcript NM_021784.5 (MANE Select); coding-DNA position 358, G replaced by T.
Protein change: p.Gly120Trp; replaces glycine 120 with tryptophan.
Molecular consequence: missense variant.
Genome position (GRCh38, 1-based): chr20:22,582,884, C>A on the plus strand (G>T on the coding strand, the complement: FOXA2 is on the minus strand). VCF-style: chr20-22582884-C-A. GRCh37 (hg19) VCF-style: chr20-22563522-C-A.
Other names: c.340G>T, p.Gly114Trp (NM_153675.3); short protein forms G120W, G114W.
Identifiers: ClinVar variation 4988941 (VCV004988941.1).